The following is an entry in ClinVar:

ClinVar aggregate classification (germline): Benign/Likely benign. Review status: criteria provided, multiple submitters, no conflicts (2 of 4 stars). 10 submissions from 10 submitters: Benign (4); Likely benign (5). 1 of the submissions does not count toward it. Last evaluated 2026-04-17.

Conditions:
SPRED1-related disorder. Also called: SPRED1-related condition.
Noonan syndrome and Noonan-related syndrome. Identifiers: Orphanet 98733, MedGen C5681679, MONDO:0020297.
Cardiovascular phenotype. Identifiers: MedGen CN230736.
Legius syndrome. Identifiers: Orphanet 137605, MedGen C1969623, MONDO:0012669, OMIM 611431. Disease mechanism: loss of function.

Allele frequency attached by ClinVar (database versions not stated): ESP Exome Variant Server 0.00015; gnomAD 0.00041 and 0.00042; TOPMed 0.00041; ExAC 0.00080.
gnomAD v4.1: 543 of 1,576,894 alleles (0.034%); highest among the groups gnomAD compares: Middle Eastern, 0.017%; 1 homozygote.

Submissions (10):

Women's Health and Genetics/Laboratory Corporation of America, LabCorp
Classification: Likely benign. Last evaluated: 2026-04-17. Review status: criteria provided, single submitter. Criteria: LabCorp Variant Classification Summary - May 2015. Collection method: clinical testing. Allele origin: germline.
Comment: Variant summary: SPRED1 c.30C>A (p.Asn10Lys) results in a non-conservative amino acid change located in the WH1/EVH1 domain (IPR000697) of the encoded protein sequence. Algorithms developed to predict the effect of missense changes on protein structure and function are either unavailable or do not agree on the potential impact of this missense change. Consensus agreement among computation tools predict no significant impact on normal splicing. However, these predictions have yet to be confirmed by functional studies. The variant allele was found at a frequency of 0.00062 in 192104 control chromosomes. The observed variant frequency exceeds the estimated maximal expected allele frequency for disease-causing variants in SPRED1. c.30C>A has been reported in individuals with varying phenotypes including Noonan Syndrome-associated characteristics and Neurofibromatosis Type 1-Like Syndrome (Legius Syndrome) (e.g. Brems_2012, Bhoj_2017, Delio_2015, Hirata_2016). These reports do not provide unequivocal conclusions about association of the variant with Neurofibromatosis Type 1-Like Syndrome (Legius Syndrome). Functional assessment of the variant determined that it does not disrupt the interaction between the SPRED1 EVH1 domain and the NF1 GAP-related domain and that its ERK suppression activity is similar to the wild-type (Hirata_2016). The following publications have been ascertained in the context of this evaluation (PMID: 27763634, 22753041, 26214305, 26635368). ClinVar contains an entry for this variant (Variation ID: 415718). Based on the evidence outlined above, the variant was classified as likely benign.

Labcorp Genetics (formerly Invitae), Labcorp
Classification: Likely benign for Legius syndrome. Last evaluated: 2026-01-18. Review status: criteria provided, single submitter. Criteria: Invitae Variant Classification Sherloc (09022015). Collection method: clinical testing. Allele origin: germline.

Ambry Genetics
Classification: Benign for Cardiovascular phenotype. Last evaluated: 2025-07-03. Review status: criteria provided, single submitter. Criteria: Ambry Variant Classification Scheme 2023. Collection method: clinical testing. Allele origin: germline.

CeGaT Center for Human Genetics Tuebingen
Classification: Benign. Last evaluated: 2024-12-01. Review status: criteria provided, single submitter. Criteria: CeGaT Center For Human Genetics Tuebingen Variant Classification Criteria Version 2. Collection method: clinical testing. Allele origin: germline. Affected: yes. Observed: 1 variant allele.
Comment: SPRED1: BS1, BS2

Blueprint Genetics
Classification: Likely benign. Last evaluated: 2024-11-18. Review status: criteria provided, single submitter. Criteria: ACMG Guidelines, 2015. Collection method: clinical testing. Allele origin: germline.

Genome Diagnostics Laboratory, The Hospital for Sick Children
Classification: Benign for Noonan syndrome and Noonan-related syndrome. Last evaluated: 2021-05-27. Review status: criteria provided, single submitter. Criteria: ACMG Guidelines, 2015. Collection method: clinical testing. Allele origin: germline.

GeneDx
Classification: Benign. Last evaluated: 2020-11-05. Review status: criteria provided, single submitter. Criteria: GeneDx Variant Classification Process June 2021. Collection method: clinical testing. Allele origin: germline. Affected: yes.
Comment: This variant is associated with the following publications: (PMID: 31401120, 26635368, 22753041)

Illumina Laboratory Services, Illumina
Classification: Likely benign for Legius syndrome. Last evaluated: 2017-04-27. Review status: criteria provided, single submitter. Criteria: ICSL Variant Classification Criteria 13 December 2019. Collection method: clinical testing. Allele origin: germline.
Comment: This variant was observed as part of a predisposition screen in an ostensibly healthy population. A literature search was performed for the gene, cDNA change, and amino acid change (where applicable). Publications were found based on this search. The evidence from the literature, in combination with allele frequency data from public databases where available, was sufficient to determine this variant is unlikely to cause disease. Therefore, this variant is classified as likely benign.

Breakthrough Genomics
Classification: Likely benign. Review status: criteria provided, single submitter. Criteria: ACMG Guidelines, 2015. Collection method: not provided. Allele origin: germline. Inheritance: Autosomal dominant inheritance. Affected: yes.

PreventionGenetics, part of Exact Sciences
Classification: Likely benign for SPRED1-related condition. Last evaluated: 2024-04-27. Review status: no assertion criteria provided. Collection method: clinical testing. Allele origin: germline. Not counted in ClinVar's aggregate classification.
Comment: This variant is classified as likely benign based on ACMG/AMP sequence variant interpretation guidelines (Richards et al. 2015 PMID: 25741868, with internal and published modifications).

Literature cited by the submitters: PubMed 26635368 (cited by Women's Health and Genetics/Laboratory Corporation of America, LabCorp); PubMed 22753041 (cited by Women's Health and Genetics/Laboratory Corporation of America, LabCorp and Illumina Laboratory Services, Illumina); PubMed 26214305 (cited by Women's Health and Genetics/Laboratory Corporation of America, LabCorp); PubMed 27763634 (cited by Women's Health and Genetics/Laboratory Corporation of America, LabCorp).

NM_152594.3(SPRED1):c.30C>A (p.Asn10Lys)

Gene: SPRED1 (sprouty related EVH1 domain containing 1; plus strand). Cytogenetic location: 15q14.
Variant type: single nucleotide variant.
Coding change: c.30C>A on transcript NM_152594.3 (MANE Select); coding-DNA position 30, C replaced by A.
Protein change: p.Asn10Lys; replaces asparagine 10 with lysine.
Molecular consequence: missense variant.
Genome position (GRCh38, 1-based): chr15:38,253,215, C>A. VCF-style: chr15-38253215-C-A. GRCh37 (hg19) VCF-style: chr15-38545416-C-A.
Other names: short protein forms N10K.
Identifiers: ClinVar variation 415718 (VCV000415718.43), dbSNP rs201692618, ClinGen allele CA7469949.